The following is an entry in ClinVar:

NM_001372.4(DNAH9):c.10479C>T (p.Gly3493=)

Genes: DNAH9 (dynein axonemal heavy chain 9; plus strand), LOC101928350 (uncharacterized LOC101928350; minus strand). Cytogenetic location: 17p12.
Variant type: single nucleotide variant.
Coding change: c.10479C>T on transcript NM_001372.4 (MANE Select); coding-DNA position 10479, C replaced by T.
Protein change: p.Gly3493=; no amino-acid change (glycine 3493 retained).
Molecular consequence: synonymous variant.
Genome position (GRCh38, 1-based): chr17:11,880,078, C>T. VCF-style: chr17-11880078-C-T. GRCh37 (hg19) VCF-style: chr17-11783395-C-T.
Identifiers: ClinVar variation 1523516 (VCV001523516.8), dbSNP rs200908759, ClinGen allele CA8397536.
Genomic context (GRCh38, chr17:11,880,078, plus strand): 5'-GGTCTCAACTCCATAGCTTGCCACAGTCTCATACTCCCGGACTCATACTTGTTTCCCTAG[C>T]TACCTTCAAATCATAGAGCAGGCCCTGGAAGCTGGAGCTGTGGTGCTGATTGAAAATCTA-3'
Protein context (NP_001363.2, residues 3483-3503): DLRVTQIGQK[Gly3493=]YLQIIEQALE

ClinVar aggregate classification (germline): Conflicting classifications of pathogenicity. Review status: criteria provided, conflicting classifications (1 of 4 stars). 2 submissions from 2 submitters: Uncertain significance (1); Likely benign (1). Last evaluated 2024-07-25.

Allele frequency attached by ClinVar (database versions not stated): ExAC 0.00008; gnomAD exomes 0.00008 and 0.00015; gnomAD 0.00015 and 0.00016; TOPMed 0.00016; ESP Exome Variant Server 0.00031.
gnomAD v4.1: 235 of 1,613,640 alleles (0.015%); highest among the groups gnomAD compares: Non-Finnish European, 0.019%; no homozygotes.

Submissions (2):

Blueprint Genetics
Classification: Likely benign. Last evaluated: 2024-07-25. Review status: criteria provided, single submitter. Criteria: ACMG Guidelines, 2015. Collection method: clinical testing. Allele origin: germline.

Labcorp Genetics (formerly Invitae), Labcorp
Classification: Uncertain significance. Last evaluated: 2024-07-19. Review status: criteria provided, single submitter. Criteria: Invitae Variant Classification Sherloc (09022015). Collection method: clinical testing. Allele origin: germline.
Comment: This sequence change affects codon 3493 of the DNAH9 mRNA. It is a 'silent' change, meaning that it does not change the encoded amino acid sequence of the DNAH9 protein. It affects a nucleotide within the consensus splice site. This variant is present in population databases (rs200908759, gnomAD 0.02%). This variant has not been reported in the literature in individuals affected with DNAH9-related conditions. ClinVar contains an entry for this variant (Variation ID: 1523516). Algorithms developed to predict the effect of sequence changes on RNA splicing suggest that this variant is not likely to affect RNA splicing. In summary, the available evidence is currently insufficient to determine the role of this variant in disease. Therefore, it has been classified as a Variant of Uncertain Significance.